The following is an entry in ClinVar:

ClinVar aggregate classification (germline): Likely benign. Review status: criteria provided, multiple submitters, no conflicts (2 of 4 stars). 2 submissions from 2 submitters: Likely benign (2). Last evaluated 2025-09-17.

Conditions:
Breast-ovarian cancer, familial, susceptibility to, 4. Identifiers: Orphanet 145, MedGen C3280345, MONDO:0013669, OMIM 614291.

Allele frequency attached by ClinVar (database versions not stated): gnomAD exomes below 0.00001; ExAC 0.00001.
gnomAD v4.1: 1 of 1,613,422 alleles (0.000062%); highest among the groups gnomAD compares: African/African-American, 0.0013%; no homozygotes.

Submissions (2):

Labcorp Genetics (formerly Invitae), Labcorp
Classification: Likely benign for Breast-ovarian cancer, familial, susceptibility to, 4. Last evaluated: 2025-09-17. Review status: criteria provided, single submitter. Criteria: Invitae Variant Classification Sherloc (09022015). Collection method: clinical testing. Allele origin: germline.

Myriad Genetics, Inc.
Classification: Likely benign for Breast-ovarian cancer, familial, susceptibility to, 4. Last evaluated: 2025-02-21. Review status: criteria provided, single submitter. Criteria: Myriad Autosomal Dominant, Autosomal Recessive and X-Linked Classification Criteria (2023). Collection method: clinical testing. Allele origin: unknown.
Comment: This variant is considered likely benign. This variant is intronic and is not expected to impact mRNA splicing.

NM_002878.4(RAD51D):c.346-8A>G

Genes: RAD51L3-RFFL (RAD51L3-RFFL readthrough; minus strand), RAD51D (RAD51 paralog D; minus strand). Cytogenetic location: 17q12.
Variant type: single nucleotide variant.
Coding change: c.346-8A>G on transcript NM_002878.4 (MANE Select); 8 bases into the intron before coding-DNA position 346, A replaced by G.
Molecular consequence: intron variant.
Genome position (GRCh38, 1-based): chr17:35,107,130, T>C on the plus strand (A>G on the coding strand, the complement: RAD51D is on the minus strand). VCF-style: chr17-35107130-T-C. GRCh37 (hg19) VCF-style: chr17-33434149-T-C.
Other names: c.145-649A>G (NM_133629.3); c.406-8A>G (NM_001142571.2).
Identifiers: ClinVar variation 239396 (VCV000239396.11), dbSNP rs756059587, ClinGen allele CA8499492.